The following is an entry in ClinVar:

ClinVar aggregate classification (germline): Likely pathogenic (1 of 4 stars; one submission).

Conditions:
Pyruvate dehydrogenase E1-alpha deficiency (PDHAD). Also called: ATAXIA, INTERMITTENT, WITH PYRUVATE DEHYDROGENASE DEFICIENCY; ATAXIA WITH LACTIC ACIDOSIS I; ATAXIA, INTERMITTENT, WITH ABNORMAL PYRUVATE METABOLISM; Ataxia, intermittent, with pyruvate dehydrogenase, or decarboxylase, deficiency. Identifiers: Orphanet 79243, MedGen C1839413, MONDO:0010717, OMIM 312170.

Submission:

Victorian Clinical Genetics Services, Murdoch Childrens Research Institute
Classification: Likely pathogenic for Pyruvate dehydrogenase E1-alpha deficiency. Last evaluated: 2021-05-06. Review status: criteria provided, single submitter. Criteria: ACMG Guidelines, 2015. Collection method: clinical testing. Allele origin: germline. Inheritance: X-linked dominant inheritance.
Comment: Based on the classification scheme VCGS_Germline_v1.3.4, this variant is classified as Likely Pathogenic. Following criteria are met: 0102 - Loss of function is a known mechanism of disease in this gene and is associated with pyruvate dehydrogenase E1-alpha deficiency (MIM#312170). (I) 0110 - This gene is associated with X-linked dominant disease. Males can also be affected, however severe variants are presumed to be embryonically lethal (PMID: 22142326). (I) 0115 - Variants in this gene are known to have variable expressivity. Depending on the residual enzymatic activity resulting from the PDHA1 variant, the severity of phenotypic presentation can vary. Additionally, the severity in females is dependent on X-chromosome inactivation patterns (OMIM, PMID: 22142326). (I) 0200 - Variant is predicted to result in a missense amino acid change from leucine to proline. (I) 0251 - This variant is heterozygous. (I) 0301 - Variant is absent from gnomAD (both v2 and v3). (SP) 0309 - An alternative amino acid change at the same position has been observed in gnomAD (v3) (1 heterozygote, 0 homozygotes, 0 hemizygotes). (I) 0501 - Missense variant consistently predicted to be damaging by multiple in silico tools or highly conserved with a major amino acid change. (SP) 0602 - Variant is located in a hotspot region or cluster of pathogenic variants in the pyruvate dehydrogenase E1 component domain (DECIPHER, NCBI). (SP) 0705 - No comparable missense variants have previous evidence for pathogenicity. (I) 0807 - This variant has no previous evidence of pathogenicity. (I) 0905 - No published segregation evidence has been identified for this variant. (I) 1007 - No published functional evidence has been identified for this variant. (SP) Legend: (SP) - Supporting pathogenic, (I) - Information, (SB) - Supporting benign

Literature cited by the submitters: PubMed 22142326.

NM_000284.4(PDHA1):c.518T>C (p.Leu173Pro)

Gene: PDHA1 (pyruvate dehydrogenase E1 subunit alpha 1; plus strand). Cytogenetic location: Xp22.12.
Variant type: single nucleotide variant.
Coding change: c.518T>C on transcript NM_000284.4 (MANE Select); coding-DNA position 518, T replaced by C.
Protein change: p.Leu173Pro; replaces leucine 173 with proline.
Molecular consequence: missense variant. On other transcripts: intron variant (1).
Genome position (GRCh38, 1-based): chrX:19,354,498, T>C. VCF-style: chrX-19354498-T-C. GRCh37 (hg19) VCF-style: chrX-19372616-T-C.
Other names: c.632T>C, p.Leu211Pro (NM_001173454.2); c.539T>C, p.Leu180Pro (NM_001173455.2); c.511-851T>C (NM_001173456.2); short protein forms L173P, L180P, L211P.
Identifiers: ClinVar variation 1804972 (VCV001804972.1), dbSNP rs2518498635, ClinGen allele CA412393855.